The following is an entry in ClinVar:

ClinVar aggregate classification (germline): Likely benign. Review status: criteria provided, multiple submitters, no conflicts (2 of 4 stars). 3 submissions from 3 submitters: Likely benign (2). 1 of the submissions does not count toward it. Last evaluated 2025-12-28.

Conditions:
POLG-related disorder. Also called: POLG-Related Spectrum Disorders; POLG-related condition; POLG-Related Disorders. Identifiers: MedGen C4763519.
Progressive sclerosing poliodystrophy (MTDPS4A). Also called: Mitochondrial DNA depletion syndrome 4A (Alpers type); Alpers Syndrome; ALPERS DIFFUSE DEGENERATION OF CEREBRAL GRAY MATTER WITH HEPATIC CIRRHOSIS; Alpers-Huttenlocher Syndrome; NEURONAL DEGENERATION OF CHILDHOOD WITH LIVER DISEASE, PROGRESSIVE; ALPERS PROGRESSIVE INFANTILE POLIODYSTROPHY. Identifiers: Orphanet 726, MedGen C0205710, MONDO:0008758, OMIM 203700.

Allele frequency attached by ClinVar (database versions not stated): gnomAD exomes 0.00001 and 0.00002; TOPMed 0.00001; ExAC 0.00002; gnomAD 0.00003; ESP Exome Variant Server 0.00008.
gnomAD v4.1: 18 of 1,610,464 alleles (0.0011%); highest among the groups gnomAD compares: Non-Finnish European, 0.0012%; no homozygotes.

Submissions (3):

Labcorp Genetics (formerly Invitae), Labcorp
Classification: Likely benign for Progressive sclerosing poliodystrophy. Last evaluated: 2025-12-28. Review status: criteria provided, single submitter. Criteria: Invitae Variant Classification Sherloc (09022015). Collection method: clinical testing. Allele origin: germline.

GeneDx
Classification: Likely benign. Last evaluated: 2019-07-24. Review status: criteria provided, single submitter. Criteria: GeneDx Variant Classification Process June 2021. Collection method: clinical testing. Allele origin: germline. Affected: yes.

PreventionGenetics, part of Exact Sciences
Classification: Likely benign for POLG-related condition. Last evaluated: 2021-07-27. Review status: no assertion criteria provided. Collection method: clinical testing. Allele origin: germline. Not counted in ClinVar's aggregate classification.
Comment: This variant is classified as likely benign based on ACMG/AMP sequence variant interpretation guidelines (Richards et al. 2015 PMID: 25741868, with internal and published modifications).

NM_002693.3(POLG):c.184C>T (p.Leu62=)

Genes: POLG (DNA polymerase gamma, catalytic subunit; minus strand), POLGARF (POLG alternative reading frame; minus strand). Cytogenetic location: 15q26.1.
Variant type: single nucleotide variant.
Coding change: c.184C>T on transcript NM_002693.3 (MANE Select); coding-DNA position 184, C replaced by T.
Protein change: p.Leu62=; no amino-acid change (leucine 62 retained).
Molecular consequence: synonymous variant.
Genome position (GRCh38, 1-based): chr15:89,333,571, G>A on the plus strand (C>T on the coding strand, the complement: POLG is on the minus strand). VCF-style: chr15-89333571-G-A. GRCh37 (hg19) VCF-style: chr15-89876802-G-A.
Other names: c.184C>T, p.Leu62= (NM_001126131.2).
Identifiers: ClinVar variation 699147 (VCV000699147.12), dbSNP rs144033465, ClinGen allele CA7725166.